The following is an entry in ClinVar:

ClinVar aggregate classification (germline): Uncertain significance (1 of 4 stars; one submission).

Conditions:
Idiopathic generalized epilepsy. Also called: EIG; Generalised epilepsy. Identifiers: MedGen C0270850, MONDO:0005579, OMIM 600669.

Submission:

Labcorp Genetics (formerly Invitae), Labcorp
Classification: Uncertain significance for Idiopathic generalized epilepsy. Last evaluated: 2022-12-02. Review status: criteria provided, single submitter. Criteria: Invitae Variant Classification Sherloc (09022015). Collection method: clinical testing. Allele origin: germline.
Comment: In summary, the available evidence is currently insufficient to determine the role of this variant in disease. Therefore, it has been classified as a Variant of Uncertain Significance. ClinVar contains an entry for this variant (Variation ID: 945276). This variant has not been reported in the literature in individuals affected with RBFOX1-related conditions. This variant is not present in population databases (gnomAD no frequency). This sequence change creates a premature translational stop signal (p.Asn218Lysfs*13) in the RBFOX1 gene. It is expected to result in an absent or disrupted protein product. However, the current clinical and genetic evidence is not sufficient to establish whether loss-of-function variants in RBFOX1 cause disease.

NM_018723.4(RBFOX1):c.594_597del (p.Asn198fs)

Gene: RBFOX1 (RNA binding fox-1 homolog 1; plus strand). Cytogenetic location: 16p13.3.
Variant type: Deletion.
Coding change: c.594_597del on transcript NM_018723.4 (MANE Select); coding-DNA positions 594 to 597, 4 bases deleted (TAAA; older notation c.594_597delTAAA).
Protein change: p.Asn198fs; shifts the reading frame from asparagine 198.
Molecular consequence: frameshift variant.
Genome position (GRCh38, 1-based): chr16:7,597,403-7,597,406, TAAA deleted; deleting any 4 consecutive bases within chr16:7,597,400-7,597,406 gives the same sequence; the c. name uses the placement nearest the transcript's 3' end. VCF-style (leftmost placement, unchanged base first): chr16-7597399-CAAAT-C. GRCh37 (hg19) VCF-style: chr16-7647401-CAAAT-C.
Other names: c.594_597del, p.Asn198fs (NM_001142333.2, NM_001142334.2, NM_001364800.2); c.723_726del, p.Asn241fs (NM_001308117.1); c.654_657del, p.Asn218fs (NM_145891.3, NM_145892.3, NM_145893.3); short protein forms N198fs, N218fs, N241fs.
Identifiers: ClinVar variation 945276 (VCV000945276.8), dbSNP rs2094760665, ClinGen allele CA1139664477.